The following is an entry in ClinVar:

ClinVar aggregate classification (germline): Uncertain significance. Review status: criteria provided, multiple submitters, no conflicts (2 of 4 stars). 2 submissions from 2 submitters: Uncertain significance (2). Last evaluated 2023-12-15.

Conditions:
Mitochondrial complex V (ATP synthase) deficiency, nuclear type 2. Also called: Nuclear-Encoded ATPase Deficiency, TMEM70-Related; ENCEPHALOCARDIOMYOPATHY, MITOCHONDRIAL, NEONATAL, DUE TO ATP SYNTHASE DEFICIENCY; MITOCHONDRIAL COMPLEX V (ATP SYNTHASE) DEFICIENCY, TMEM70 TYPE. Identifiers: Orphanet 1194, MedGen C3279699, MONDO:0013546, OMIM 614052.
Inborn genetic diseases. Identifiers: MedGen C0950123, MeSH D030342.

Allele frequency attached by ClinVar (database versions not stated): gnomAD exomes below 0.00001; ExAC 0.00001; gnomAD 0.00006; TOPMed 0.00008; 1000 Genomes Project 0.00020; 1000 Genomes Project 30x 0.00031.
gnomAD v4.1: 13 of 1,614,182 alleles (0.00081%); highest among the groups gnomAD compares: Admixed American, 0.012%; no homozygotes.

Submissions (2):

Ambry Genetics
Classification: Uncertain significance for Inborn genetic diseases. Last evaluated: 2023-12-15. Review status: criteria provided, single submitter. Criteria: Ambry Variant Classification Scheme 2023. Collection method: clinical testing. Allele origin: germline.

Labcorp Genetics (formerly Invitae), Labcorp
Classification: Uncertain significance for Mitochondrial complex V (ATP synthase) deficiency, nuclear type 2. Last evaluated: 2022-07-19. Review status: criteria provided, single submitter. Criteria: Invitae Variant Classification Sherloc (09022015). Collection method: clinical testing. Allele origin: germline.
Comment: This sequence change replaces threonine, which is neutral and polar, with serine, which is neutral and polar, at codon 178 of the TMEM70 protein (p.Thr178Ser). This variant is present in population databases (rs552453782, gnomAD 0.004%). This variant has not been reported in the literature in individuals affected with TMEM70-related conditions. ClinVar contains an entry for this variant (Variation ID: 1045574). Algorithms developed to predict the effect of missense changes on protein structure and function are either unavailable or do not agree on the potential impact of this missense change (SIFT: "Tolerated"; PolyPhen-2: "Probably Damaging"; Align-GVGD: "Class C0"). In summary, the available evidence is currently insufficient to determine the role of this variant in disease. Therefore, it has been classified as a Variant of Uncertain Significance.

NM_017866.6(TMEM70):c.533C>G (p.Thr178Ser)

Gene: TMEM70 (transmembrane protein 70; plus strand). Cytogenetic location: 8q21.11.
Variant type: single nucleotide variant.
Coding change: c.533C>G on transcript NM_017866.6 (MANE Select); coding-DNA position 533, C replaced by G.
Protein change: p.Thr178Ser; replaces threonine 178 with serine.
Molecular consequence: missense variant. On other transcripts: 3 prime UTR variant (1), non-coding transcript variant (1).
Genome position (GRCh38, 1-based): chr8:73,981,371, C>G. VCF-style: chr8-73981371-C-G. GRCh37 (hg19) VCF-style: chr8-74893606-C-G.
Other names: c.*223C>G (NM_001040613.3); c.533C>G (NM_017866.5); short protein forms T178S.
Identifiers: ClinVar variation 1045574 (VCV001045574.5), dbSNP rs552453782, ClinGen allele CA4784067.